The following is an entry in ClinVar:

ClinVar aggregate classification (germline): Pathogenic (0 of 4 stars; one submission).

Conditions:
Bietti crystalline corneoretinal dystrophy (BCD). Also called: Bietti Crystalline Dystrophy; BIETTI TAPETORETINAL DEGENERATION WITH MARGINAL CORNEAL DYSTROPHY. Identifiers: Orphanet 41751, MedGen C1859486, MONDO:0008865, OMIM 210370.

Submission:

GeneReviews
Classification: Pathogenic for Bietti Crystalline Dystrophy. Last evaluated: 2012-04-12. Review status: no assertion criteria provided. Collection method: curation. Allele origin: unknown.
ClinVar note: Converted during submission from pathologic to Pathogenic.

NM_207352.4(CYP4V2):c.759dup (p.His254fs)

Gene: CYP4V2 (cytochrome P450 family 4 subfamily V member 2; plus strand). Cytogenetic location: 4q35.1.
Variant type: Duplication.
Coding change: c.759dup on transcript NM_207352.4 (MANE Select); coding-DNA position 759, one base duplicated (A; older notation c.759dupA).
Protein change: p.His254fs; shifts the reading frame from histidine 254.
Molecular consequence: frameshift variant.
Genome position (GRCh38, 1-based): chr4:186,199,041, A duplicated; the last of 2 consecutive A bases (chr4:186,199,040-186,199,041); duplicating either gives the same sequence. VCF-style (leftmost placement, unchanged base first): chr4-186199039-G-GA. GRCh37 (hg19) VCF-style: chr4-187120193-G-GA.
Other names: c.1062_1063dupA; short protein forms H254fs.
Identifiers: ClinVar variation 39269 (VCV000039269.3), dbSNP rs199476192, ClinGen allele CA343737.
Genomic context (GRCh38, chr4:186,199,039, plus strand): 5'-AGAATAAAGATGCCCTGGCTTTGGCTTGATCTCTGGTACCTTATGTTTAAAGAAGGATGG[G>GA]AACACAAAAAGAGCCTTCAGATCCTACATACTTTTACCAACAGTGTAAGTCCCTGACTTT-3'